The following is an entry in ClinVar:

NM_001369369.1(FOXN1):c.1421A>G (p.Gln474Arg)

Gene: FOXN1 (forkhead box N1; plus strand). Cytogenetic location: 17q11.2.
Variant type: single nucleotide variant.
Coding change: c.1421A>G on transcript NM_001369369.1 (MANE Select); coding-DNA position 1421, A replaced by G.
Protein change: p.Gln474Arg; replaces glutamine 474 with arginine.
Molecular consequence: missense variant.
Genome position (GRCh38, 1-based): chr17:28,534,992, A>G. VCF-style: chr17-28534992-A-G. GRCh37 (hg19) VCF-style: chr17-26862010-A-G.
Other names: c.1421A>G, p.Gln474Arg (NM_003593.3); short protein forms Q474R.
Identifiers: ClinVar variation 1985211 (VCV001985211.4), dbSNP rs1282867070, ClinGen allele CA398326371.

ClinVar aggregate classification (germline): Uncertain significance (1 of 4 stars; one submission).

Conditions:
T-cell immunodeficiency, congenital alopecia, and nail dystrophy. Also called: Congenital alopecia and nail dystrophy associated with severe functional T-cell immunodeficiency; Pignata Guarino syndrome. Identifiers: Orphanet 169095, MedGen C1866426, MONDO:0011132, OMIM 601705.

Allele frequency attached by ClinVar (database versions not stated): gnomAD exomes below 0.00001; TOPMed below 0.00001.
gnomAD v4.1: 1 of 1,613,956 alleles (0.000062%); highest among the groups gnomAD compares: Admixed American, 0.0017%; no homozygotes.

Submission:

Labcorp Genetics (formerly Invitae), Labcorp
Classification: Uncertain significance for T-cell immunodeficiency, congenital alopecia, and nail dystrophy. Last evaluated: 2025-11-18. Review status: criteria provided, single submitter. Criteria: Invitae Variant Classification Sherloc (09022015). Collection method: clinical testing. Allele origin: germline.
Comment: This sequence change replaces glutamine, which is neutral and polar, with arginine, which is basic and polar, at codon 474 of the FOXN1 protein (p.Gln474Arg). This variant is present in population databases (no rsID available, gnomAD 0.003%). This variant has not been reported in the literature in individuals affected with FOXN1-related conditions. ClinVar contains an entry for this variant (Variation ID: 1985211). Invitae Evidence Modeling of protein sequence and biophysical properties (such as structural, functional, and spatial information, amino acid conservation, physicochemical variation, residue mobility, and thermodynamic stability) indicates that this missense variant is not expected to disrupt FOXN1 protein function with a negative predictive value of 80%. In summary, the available evidence is currently insufficient to determine the role of this variant in disease. Therefore, it has been classified as a Variant of Uncertain Significance.